The following is an entry in ClinVar:

ClinVar aggregate classification (germline): Uncertain significance (1 of 4 stars; one submission).

Submissions (3):

GeneDx
Classification: Uncertain significance. Last evaluated: 2024-05-31. Review status: criteria provided, single submitter. Criteria: GeneDx Variant Classification Process June 2021. Collection method: clinical testing. Allele origin: germline. Affected: yes.
Comment: Not observed at significant frequency in large population cohorts (gnomAD); In silico analysis supports that this missense variant has a deleterious effect on protein structure/function; Has not been previously published as pathogenic or benign to our knowledge; In silico analysis suggests this variant may impact gene splicing. In the absence of RNA/functional studies, the actual effect of this sequence change is unknown.

Dr. Peter K. Rogan Lab, Western University
No classification provided (evidence only). Condition: Thyroid cancer, nonmedullary, 1. Review status: no classification provided. Collection method: in vitro. Allele origin: not applicable. Functional consequence: retained intron. Not counted in ClinVar's aggregate classification.

Dr. Peter K. Rogan Lab, Western University
No classification provided (evidence only). Condition: Nonpapillary renal cell carcinoma. Review status: no classification provided. Collection method: in vitro. Allele origin: not applicable. Functional consequence: retained intron. Not counted in ClinVar's aggregate classification.

NM_031407.7(HUWE1):c.1114G>T (p.Asp372Tyr)

Gene: HUWE1 (HECT, UBA and WWE domain containing E3 ubiquitin protein ligase 1; minus strand). Cytogenetic location: Xp11.22.
Variant type: single nucleotide variant.
Coding change: c.1114G>T on transcript NM_031407.7 (MANE Select); coding-DNA position 1114, G replaced by T.
Protein change: p.Asp372Tyr; replaces aspartic acid 372 with tyrosine.
Molecular consequence: missense variant.
Genome position (GRCh38, 1-based): chrX:53,628,752, C>A on the plus strand (G>T on the coding strand, the complement: HUWE1 is on the minus strand). VCF-style: chrX-53628752-C-A. GRCh37 (hg19) VCF-style: chrX-53655703-C-A.
Other names: NC_000023.10:g.53655703C>A; short protein forms D372Y.
Identifiers: ClinVar variation 3383480 (VCV003383480.2).